The following is an entry in ClinVar:

ClinVar aggregate classification (germline): Likely pathogenic. Review status: criteria provided, single submitter (1 of 4 stars). 2 submissions from 2 submitters: Likely pathogenic (1). 1 of the submissions does not count toward it. Last evaluated 2020-12-10.

Conditions:
Immunodeficiency 82 with systemic inflammation. Identifiers: Orphanet 695807, MedGen C5543581, MONDO:0030308, OMIM 619381.
Skin rash. Identifiers: MedGen C5779628, HP:0000988.
Arthritis. Identifiers: MedGen C0003864, MONDO:0005578, HP:0001369.
Immunodeficiency. Identifiers: MedGen C0021051, MONDO:0021094, HP:0002721.
Colitis. Identifiers: MedGen C0009319, MONDO:0005292, HP:0002583.
Decreased circulating immunoglobulin concentration. Also called: Decreased antibody level in blood; Decreased circulating antibody concentration. Identifiers: MedGen C4048270, HP:0004313.

Submissions (2):

Aleixo Muise Laboratory, Hospital For Sick Children
Classification: Likely pathogenic for Colitis; Immunodeficiency; Decreased circulating immunoglobulin concentration; Skin rash; Arthritis. Last evaluated: 2020-12-10. Review status: criteria provided, single submitter. Criteria: ACMG Guidelines, 2015. Collection method: research. Allele origin: de novo, not applicable. Inheritance: Sporadic. Affected: yes. Observed: 1 heterozygote. Functional consequence: protein gain of function.
Comment: de novo (from TRIO WES)

OMIM
Classification: Pathogenic for IMMUNODEFICIENCY 82 WITH SYSTEMIC INFLAMMATION. Last evaluated: 2021-06-21. Review status: no assertion criteria provided. Collection method: literature only. Allele origin: germline. Not counted in ClinVar's aggregate classification.

Literature cited by the submitters: PubMed 33782605 (cited by OMIM).

NM_003177.7(SYK):c.1024C>A (p.Pro342Thr)

Gene: SYK (spleen associated tyrosine kinase; plus strand). Cytogenetic location: 9q22.2.
Variant type: single nucleotide variant.
Coding change: c.1024C>A on transcript NM_003177.7 (MANE Select); coding-DNA position 1024, C replaced by A.
Protein change: p.Pro342Thr; replaces proline 342 with threonine.
Molecular consequence: missense variant.
Genome position (GRCh38, 1-based): chr9:90,874,692, C>A. VCF-style: chr9-90874692-C-A. GRCh37 (hg19) VCF-style: chr9-93636974-C-A.
Other names: c.955C>A, p.Pro319Thr (NM_001135052.4, NM_001174168.3); c.1024C>A, p.Pro342Thr (NM_001174167.3); short protein forms P319T, P342T.
Identifiers: ClinVar variation 989387 (VCV000989387.5), dbSNP rs1827861920, ClinGen allele CA373800953.
Genomic context (GRCh38, chr9:90,874,692, plus strand): 5'-GGTCCAGCCCCAGGTCGTATGTTTCTTGACTGCATTGCAGGCCCCCAGAGAGAAGCCCTA[C>A]CCATGGACACAGAGGTGTACGAGAGCCCCTACGCGGACCCCGAGGAGATCAGGCCCAAGG-3'
Protein context (NP_003168.2, residues 332-352): ADKGPQREAL[Pro342Thr]MDTEVYESPY